The following is an entry in ClinVar:

ClinVar aggregate classification (germline): Uncertain significance (1 of 4 stars; one submission).

Allele frequency attached by ClinVar (database versions not stated): gnomAD exomes below 0.00001; ExAC 0.00002; gnomAD 0.00003; TOPMed 0.00004.
gnomAD v4.1: 9 of 1,613,602 alleles (0.00056%); highest among the groups gnomAD compares: African/African-American, 0.011%; no homozygotes.

Submission:

Women's Health and Genetics/Laboratory Corporation of America, LabCorp
Classification: Uncertain significance. Last evaluated: 2024-02-14. Review status: criteria provided, single submitter. Criteria: LabCorp Variant Classification Summary - May 2015. Collection method: clinical testing. Allele origin: germline.
Comment: Variant summary: IGF1R c.1829-6C>T alters a non-conserved nucleotide located close to a canonical splice site and therefore could affect mRNA splicing, leading to a significantly altered protein sequence. Consensus agreement among computation tools predict no significant impact on normal splicing. However, these predictions have yet to be confirmed by functional studies. The variant allele was found at a frequency of 1.2e-05 in 251488 control chromosomes. The available data on variant occurrences in the general population are insufficient to allow any conclusion about variant significance. To our knowledge, no occurrence of c.1829-6C>T in individuals affected with Growth Delay Due To Insulin-Like Growth Factor I Resistance and no experimental evidence demonstrating its impact on protein function have been reported. No submitters have cited clinical-significance assessments for this variant to ClinVar. Based on the evidence outlined above, the variant was classified as uncertain significance.

NM_000875.5(IGF1R):c.1829-6C>T

Gene: IGF1R (insulin like growth factor 1 receptor; plus strand). Cytogenetic location: 15q26.3.
Variant type: single nucleotide variant.
Coding change: c.1829-6C>T on transcript NM_000875.5 (MANE Select); 6 bases into the intron before coding-DNA position 1829, C replaced by T.
Molecular consequence: intron variant.
Genome position (GRCh38, 1-based): chr15:98,915,958, C>T. VCF-style: chr15-98915958-C-T. GRCh37 (hg19) VCF-style: chr15-99459187-C-T.
Other names: c.1829-6C>T (NM_001291858.2).
Identifiers: ClinVar variation 3068907 (VCV003068907.2), dbSNP rs775738949, ClinGen allele CA7752225.